The following is an entry in ClinVar:

NM_001371928.1(AHDC1):c.4687G>A (p.Ala1563Thr)

Gene: AHDC1 (AT-hook DNA binding motif containing 1; minus strand). Cytogenetic location: 1p36.11.
Variant type: single nucleotide variant.
Coding change: c.4687G>A on transcript NM_001371928.1 (MANE Select); coding-DNA position 4687, G replaced by A.
Protein change: p.Ala1563Thr; replaces alanine 1563 with threonine.
Molecular consequence: missense variant.
Genome position (GRCh38, 1-based): chr1:27,547,429, C>T on the plus strand (G>A on the coding strand, the complement: AHDC1 is on the minus strand). VCF-style: chr1-27547429-C-T. GRCh37 (hg19) VCF-style: chr1-27873940-C-T.
Other names: c.4687G>A (NM_001029882.2); c.4687G>A, p.Ala1563Thr (NM_001029882.3); short protein forms A1563T.
Identifiers: ClinVar variation 1463597 (VCV001463597.8), dbSNP rs539447084, ClinGen allele CA715297.

ClinVar aggregate classification (germline): Conflicting classifications of pathogenicity. Review status: criteria provided, conflicting classifications (1 of 4 stars). 3 submissions from 3 submitters: Uncertain significance (1); Likely benign (2). Last evaluated 2025-06-12.

Conditions:
Inborn genetic diseases. Identifiers: MedGen C0950123, MeSH D030342.

Allele frequency attached by ClinVar (database versions not stated): gnomAD 0.00001; gnomAD exomes 0.00001 and 0.00002; ExAC 0.00002; TOPMed 0.00002; 1000 Genomes Project 0.00020; 1000 Genomes Project 30x 0.00031.
gnomAD v4.1: 23 of 1,583,866 alleles (0.0015%); highest among the groups gnomAD compares: African/African-American, 0.0027%; no homozygotes.

Submissions (3):

Labcorp Genetics (formerly Invitae), Labcorp
Classification: Uncertain significance. Last evaluated: 2025-06-12. Review status: criteria provided, single submitter. Criteria: Invitae Variant Classification Sherloc (09022015). Collection method: clinical testing. Allele origin: germline.
Comment: This sequence change replaces alanine, which is neutral and non-polar, with threonine, which is neutral and polar, at codon 1563 of the AHDC1 protein (p.Ala1563Thr). This variant is present in population databases (rs539447084, gnomAD 0.004%). This variant has not been reported in the literature in individuals affected with AHDC1-related conditions. ClinVar contains an entry for this variant (Variation ID: 1463597). An algorithm developed to predict the effect of missense changes on protein structure and function outputs the following: PolyPhen-2: "Possibly Damaging". The threonine amino acid residue is found in multiple mammalian species, which suggests that this missense change does not adversely affect protein function. In summary, the available evidence is currently insufficient to determine the role of this variant in disease. Therefore, it has been classified as a Variant of Uncertain Significance.

Ambry Genetics
Classification: Likely benign for Inborn genetic diseases. Last evaluated: 2025-01-21. Review status: criteria provided, single submitter. Criteria: Ambry Variant Classification Scheme 2023. Collection method: clinical testing. Allele origin: germline.

Blueprint Genetics
Classification: Likely benign. Last evaluated: 2024-05-28. Review status: criteria provided, single submitter. Criteria: ACMG Guidelines, 2015. Collection method: clinical testing. Allele origin: germline.